The following is an entry in ClinVar:

NM_003119.4(SPG7):c.1045_1046delinsAGC (p.Gly349fs)

Gene: SPG7 (SPG7 matrix AAA peptidase subunit, paraplegin; plus strand). Cytogenetic location: 16q24.3.
Variant type: Indel.
Coding change: c.1045_1046delinsAGC on transcript NM_003119.4 (MANE Select); coding-DNA positions 1045 to 1046, GG replaced by AGC.
Protein change: p.Gly349fs; shifts the reading frame from glycine 349.
Molecular consequence: frameshift variant.
Genome position (GRCh38, 1-based): chr16:89,531,961-89,531,962, GG replaced by AGC. VCF-style: chr16-89531961-GG-AGC. GRCh37 (hg19) VCF-style: chr16-89598369-GG-AGC.
Other names: c.1045_1046delinsAGC (NM_003119.3); c.1045_1046delinsAGC, p.Gly349fs (NM_001363850.1, NM_199367.3); short protein forms G349fs.
Identifiers: ClinVar variation 411676 (VCV000411676.6), dbSNP rs1060503425, ClinGen allele CA16615429.
Genomic context (GRCh38, chr16:89,531,961, plus strand): 5'-CAGAGCCCAGAACGCTTCCTCCAGCTTGGCGCCAAGGTCCCAAAGGGCGCACTGCTGCTC[GG>AGC]CCCCCCCGGCTGTGGGAAGACGCTGCTGGCCAAGGCGGTGGCCACGGAGGCTCAGGTGCC-3'

ClinVar aggregate classification (germline): Pathogenic (1 of 4 stars; one submission).

Conditions:
Hereditary spastic paraplegia 7 (SPG7). Also called: Spastic paraplegia 7; Hereditary spastic paraplegia Paraplegin type; SPG7-related neurologic disorder; Autosomal recessive spastic paraplegia type 7; SPASTIC PARAPLEGIA 7, AUTOSOMAL RECESSIVE, WITH OR WITHOUT CEREBELLAR ATAXIA. Identifiers: Orphanet 99013, MedGen C1846564, MONDO:0011803, OMIM 607259.

Submission:

Labcorp Genetics (formerly Invitae), Labcorp
Classification: Pathogenic for Hereditary spastic paraplegia 7. Last evaluated: 2022-07-05. Review status: criteria provided, single submitter. Criteria: Invitae Variant Classification Sherloc (09022015). Collection method: clinical testing. Allele origin: germline.
Comment: This variant is not present in population databases (gnomAD no frequency). This sequence change creates a premature translational stop signal (p.Gly349Serfs*47) in the SPG7 gene. It is expected to result in an absent or disrupted protein product. Loss-of-function variants in SPG7 are known to be pathogenic (PMID: 21623769, 22964162). For these reasons, this variant has been classified as Pathogenic. This variant has not been reported in the literature in individuals affected with SPG7-related conditions.

Literature cited by the submitters: PubMed 21623769; PubMed 22964162.